The following is an entry in ClinVar:

ClinVar aggregate classification (germline): Conflicting classifications of pathogenicity. Review status: criteria provided, conflicting classifications (1 of 4 stars). 4 submissions from 4 submitters: Pathogenic (1); Likely pathogenic (1); Uncertain significance (2). Last evaluated 2024-12-03.

Conditions:
Dilated cardiomyopathy 1S (CMD1S). Identifiers: Orphanet 154, Orphanet 54260, MedGen C1834481, MONDO:0013262, OMIM 613426.
Myosin storage myopathy (CMYO7A). Also called: Scapuloperoneal myopathy, MYH7-related; MYOPATHY, HYALINE BODY, AUTOSOMAL DOMINANT; MYOPATHY WITH LYSIS OF TYPE I MYOFIBRILS; MYH7-related late-onset scapuloperoneal muscular dystrophy; Congenital myopathy 7A, myosin storage, autosomal dominant; SCAPULOPERONEAL MUSCULAR DYSTROPHY. Identifiers: Orphanet 437572, Orphanet 636965, MedGen C1842160, MONDO:0008409, OMIM 608358.
Hypertrophic cardiomyopathy. Also called: HYPERTROPHIC MYOCARDIOPATHY. Identifiers: Orphanet 217569, MedGen C0007194, MeSH D002312, MONDO:0005045, HP:0001639.

Submissions (4):

KardioGenetik, Herz- und Diabeteszentrum NRW
Classification: Likely pathogenic for Dilated cardiomyopathy 1S. Last evaluated: 2024-12-03. Review status: criteria provided, single submitter. Criteria: ACMG Guidelines, 2015. Collection method: clinical testing. Allele origin: unknown. Affected: yes. Observed: 1 variant allele.
Comment: The detected MYH7 variant is a nucleotide exchange located near the donor splice site in intron 38. According to bioinformatics prediction, this variant is expected to disrupt splicing, leading to exon skipping of exon 38. In the ClinVar database, there are two entries regarding this variant: One from 2023, which classifies it as of "unclear clinical significance" in the context of hypertrophic cardiomyopathy, and another one from 2024, which classifies it as pathogenic in relation to myosin storage myopathy. No data on the allele frequency of this variant in the general population from the gnomAD database is available. A strong criterion for the pathogenicity of the MYH7 variant c.5655+5G>A is the classification of a variant located at the same nucleotide position, c.5655+5G>C, as pathogenic (Surikova et al.). RNA analysis from a muscle biopsy confirmed in-frame exon skipping of MYH7 exon 38, as well as a functional minigene assay in HEK293 cells – conducted with other variants also described as de novo in the splice region. Finally, Surikova et al. generalize their observation that variants causing exon 38 skipping lead to a particular phenotype, characterized by congenital myopathy with an unusually early onset, axial hypotonia, and the so-called dropped-head syndrome. The authors further speculate that the donor splice region of exon 38 of the MYH7 gene may represent a hotspot for de novo pathogenic variants. PS1, PM2_supporting, PP3

3billion
Classification: Uncertain significance for Myosin storage myopathy. Last evaluated: 2024-10-31. Review status: criteria provided, single submitter. Criteria: ACMG Guidelines, 2015. Collection method: clinical testing. Allele origin: germline. Affected: yes.
Comment: The variant is not observed in the gnomAD v4.1.0 dataset. Predicted Consequence/Location: Intron variant In silico tools predict the variant to alter splicing and produce an abnormal transcript [SpliceAI: 0.20 (>=0.2, moderate evidence for spliceogenicity)]. The variant has been reported to be associated with MYH7 related disorder (ClinVar ID: VCV000662627). However, the evidence of pathogenicity is insufficient at this time. Therefore, this variant is classified as VUS according to the recommendation of ACMG/AMP guideline.

Institute of Human Genetics, Cologne University
Classification: Pathogenic for Myosin storage myopathy. Last evaluated: 2024-01-31. Review status: criteria provided, single submitter. Criteria: ACMG Guidelines, 2015. Collection method: clinical testing. Allele origin: de novo. Affected: yes.

Labcorp Genetics (formerly Invitae), Labcorp
Classification: Uncertain significance for Hypertrophic cardiomyopathy. Last evaluated: 2023-10-04. Review status: criteria provided, single submitter. Criteria: Invitae Variant Classification Sherloc (09022015). Collection method: clinical testing. Allele origin: germline.
Comment: This sequence change falls in intron 38 of the MYH7 gene. It does not directly change the encoded amino acid sequence of the MYH7 protein. It affects a nucleotide within the consensus splice site. This variant is not present in population databases (gnomAD no frequency). This variant has not been reported in the literature in individuals affected with MYH7-related conditions. ClinVar contains an entry for this variant (Variation ID: 662627). Variants that disrupt the consensus splice site are a relatively common cause of aberrant splicing (PMID: 17576681, 9536098). Algorithms developed to predict the effect of sequence changes on RNA splicing suggest that this variant may disrupt the consensus splice site. This variant disrupts the c.5655+5G nucleotide in the MYH7 gene. Other variant(s) that disrupt this nucleotide have been determined to be pathogenic (PMID: 30794915). This suggests that this nucleotide is clinically significant, and that variants that disrupt this position are likely to be disease-causing. In summary, the available evidence is currently insufficient to determine the role of this variant in disease. Therefore, it has been classified as a Variant of Uncertain Significance.

Literature cited by the submitters: PubMed 17576681 (cited by Labcorp Genetics (formerly Invitae), Labcorp); PubMed 9536098 (cited by Labcorp Genetics (formerly Invitae), Labcorp); PubMed 30794915 (cited by Labcorp Genetics (formerly Invitae), Labcorp).

NM_000257.4(MYH7):c.5655+5G>A

Gene: MYH7 (myosin heavy chain 7; minus strand). Cytogenetic location: 14q11.2.
Variant type: single nucleotide variant.
Coding change: c.5655+5G>A on transcript NM_000257.4 (MANE Select); 5 bases into the intron after coding-DNA position 5655, G replaced by A.
Molecular consequence: intron variant.
Genome position (GRCh38, 1-based): chr14:23,414,002, C>T on the plus strand (G>A on the coding strand, the complement: MYH7 is on the minus strand). VCF-style: chr14-23414002-C-T. GRCh37 (hg19) VCF-style: chr14-23883211-C-T.
Identifiers: ClinVar variation 662627 (VCV000662627.9), dbSNP rs1595070689, ClinGen allele CA915940525.